The following is an entry in ClinVar:

NM_004260.4(RECQL4):c.2272C>G (p.Arg758Gly)

Gene: RECQL4 (RecQ like helicase 4; minus strand). Cytogenetic location: 8q24.3.
Variant type: single nucleotide variant.
Coding change: c.2272C>G on transcript NM_004260.4 (MANE Select); coding-DNA position 2272, C replaced by G.
Protein change: p.Arg758Gly; replaces arginine 758 with glycine.
Molecular consequence: missense variant.
Genome position (GRCh38, 1-based): chr8:144,513,409, G>C on the plus strand (C>G on the coding strand, the complement: RECQL4 is on the minus strand). VCF-style: chr8-144513409-G-C. GRCh37 (hg19) VCF-style: chr8-145738793-G-C.
Other names: c.2272C>G (NM_004260.3); short protein forms R758G.
Identifiers: ClinVar variation 1052101 (VCV001052101.6), dbSNP rs758790200, ClinGen allele CA372678446.

ClinVar aggregate classification (germline): Uncertain significance. Review status: criteria provided, single submitter (1 of 4 stars). 2 submissions from 2 submitters: Uncertain significance (1). 1 of the submissions does not count toward it. Last evaluated 2024-04-06.

Conditions:
Baller-Gerold syndrome (BGS). Also called: CRANIOSYNOSTOSIS WITH RADIAL DEFECTS. Identifiers: Orphanet 1225, MedGen C0265308, MONDO:0009039, OMIM 218600.
RECQL4-related disorder. Also called: RECQL4-related disorders; RECQL4-related condition.

gnomAD v4.1: 3 of 1,608,626 alleles (0.00019%); highest among the groups gnomAD compares: Non-Finnish European, 0.00025%; no homozygotes.

Submissions (2):

Labcorp Genetics (formerly Invitae), Labcorp
Classification: Uncertain significance for Baller-Gerold syndrome. Last evaluated: 2024-04-06. Review status: criteria provided, single submitter. Criteria: Invitae Variant Classification Sherloc (09022015). Collection method: clinical testing. Allele origin: germline.
Comment: This sequence change replaces arginine, which is basic and polar, with glycine, which is neutral and non-polar, at codon 758 of the RECQL4 protein (p.Arg758Gly). This variant is not present in population databases (gnomAD no frequency). This variant has not been reported in the literature in individuals affected with RECQL4-related conditions. ClinVar contains an entry for this variant (Variation ID: 1052101). Advanced modeling of protein sequence and biophysical properties (such as structural, functional, and spatial information, amino acid conservation, physicochemical variation, residue mobility, and thermodynamic stability) has been performed at Invitae for this missense variant, however the output from this modeling did not meet the statistical confidence thresholds required to predict the impact of this variant on RECQL4 protein function. In summary, the available evidence is currently insufficient to determine the role of this variant in disease. Therefore, it has been classified as a Variant of Uncertain Significance.

PreventionGenetics, part of Exact Sciences
Classification: Uncertain significance for RECQL4-related condition. Last evaluated: 2023-11-27. Review status: no assertion criteria provided. Collection method: clinical testing. Allele origin: germline. Not counted in ClinVar's aggregate classification.
Comment: The RECQL4 c.2272C>G variant is predicted to result in the amino acid substitution p.Arg758Gly. To our knowledge, this variant has not been reported in the literature or in a large population database, indicating this variant is rare. This variant is reported as having uncertain clinical significance in ClinVar. At this time, the clinical significance of this variant is uncertain due to the absence of conclusive functional and genetic evidence.